The following is an entry in ClinVar:

NM_203500.2(KEAP1):c.1152C>T (p.Pro384=)

Gene: KEAP1 (kelch like ECH associated protein 1; minus strand). Cytogenetic location: 19p13.2.
Variant type: single nucleotide variant.
Coding change: c.1152C>T on transcript NM_203500.2 (MANE Select); coding-DNA position 1152, C replaced by T.
Protein change: p.Pro384=; no amino-acid change (proline 384 retained).
Molecular consequence: synonymous variant.
Genome position (GRCh38, 1-based): chr19:10,491,750, G>A on the plus strand (C>T on the coding strand, the complement: KEAP1 is on the minus strand). VCF-style: chr19-10491750-G-A. GRCh37 (hg19) VCF-style: chr19-10602426-G-A.
Other names: c.1152C>T, p.Pro384= (NM_012289.4).
Identifiers: ClinVar variation 2649293 (VCV002649293.24), dbSNP rs201119783, ClinGen allele CA9195549.
Genomic context (GRCh38, chr19:10,491,750, plus strand): 5'-CGACCACTGATTGGTCATGGGGTTGTAACAGTCCAGGGCGCTGGAGTCGGTGTTGCCGTC[G>A]GGCGAGTTGTTCCTGCCGCCCACGGCGTACAACAGCCCGCCCACCACGCAGCCGGCCAGG-3'
Protein context (NP_987096.1, residues 374-394): LYAVGGRNNS[Pro384=]DGNTDSSALD

ClinVar aggregate classification (germline): Likely benign (1 of 4 stars; one submission).

Allele frequency attached by ClinVar (database versions not stated): gnomAD 0.00015; TOPMed 0.00022; ESP Exome Variant Server 0.00023; ExAC 0.00027; 1000 Genomes Project 0.00060; 1000 Genomes Project 30x 0.00062.
gnomAD v4.1: 144 of 1,566,510 alleles (0.0092%); highest among the groups gnomAD compares: East Asian, 0.27%; 1 homozygote.

Submission:

CeGaT Center for Human Genetics Tuebingen
Classification: Likely benign. Last evaluated: 2023-03-01. Review status: criteria provided, single submitter. Criteria: CeGaT Center For Human Genetics Tuebingen Variant Classification Criteria Version 2. Collection method: clinical testing. Allele origin: germline. Affected: yes. Observed: 1 variant allele.
Comment: KEAP1: BP4, BP7